The following is an entry in ClinVar:

ClinVar aggregate classification (germline): Benign/Likely benign. Review status: criteria provided, multiple submitters, no conflicts (2 of 4 stars). 2 submissions from 2 submitters: Benign (1); Likely benign (1). Last evaluated 2023-05-01.

Conditions:
Episodic ataxia type 1 (EA1). Also called: ATAXIA, EPISODIC, WITH MYOKYMIA; MYOKYMIA WITH PERIODIC ATAXIA; PAROXYSMAL ATAXIA WITH NEUROMYOTONIA, HEREDITARY; Episodic ataxia/myokymia syndrome. Identifiers: Orphanet 37612, Orphanet 972, MedGen C1719788, MONDO:0008047, OMIM 160120.

Allele frequency attached by ClinVar (database versions not stated): gnomAD 0.00245 and 0.00257; TOPMed 0.00287; 1000 Genomes Project 0.00419; 1000 Genomes Project 30x 0.00468.

Submissions (2):

CeGaT Center for Human Genetics Tuebingen
Classification: Likely benign. Last evaluated: 2023-05-01. Review status: criteria provided, single submitter. Criteria: CeGaT Center For Human Genetics Tuebingen Variant Classification Criteria Version 2. Collection method: clinical testing. Allele origin: germline. Affected: yes. Observed: 1 variant allele.
Comment: KCNA1: BS2

Illumina Laboratory Services, Illumina
Classification: Benign for Episodic ataxia type 1. Last evaluated: 2018-01-13. Review status: criteria provided, single submitter. Criteria: ICSL Variant Classification Criteria 13 December 2019. Collection method: clinical testing. Allele origin: germline.
Comment: This variant was observed in the ICSL laboratory as part of a predisposition screen in an ostensibly healthy population. It had not been previously curated by ICSL or reported in the Human Gene Mutation Database (HGMD: prior to June 1st, 2018), and was therefore a candidate for classification through an automated scoring system. Utilizing variant allele frequency, disease prevalence and penetrance estimates, and inheritance mode, an automated score was calculated to assess if this variant is too frequent to cause the disease. Based on the score and internal cut-off values, a variant classified as benign is not then subjected to further curation. The score for this variant resulted in a classification of benign for this disease.

NM_000217.3(KCNA1):c.-1043C>T

Gene: KCNA1 (potassium voltage-gated channel subfamily A member 1; plus strand). Cytogenetic location: 12p13.32.
Variant type: single nucleotide variant.
Coding change: c.-1043C>T on transcript NM_000217.3 (MANE Select); 1043 bases upstream of the start codon, C replaced by T.
Molecular consequence: 5 prime UTR variant.
Genome position (GRCh38, 1-based): chr12:4,909,969, C>T. VCF-style: chr12-4909969-C-T. GRCh37 (hg19) VCF-style: chr12-5019135-C-T.
Identifiers: ClinVar variation 883916 (VCV000883916.28), dbSNP rs11831571, ClinGen allele CA231854256.